The following is an entry in ClinVar:

ClinVar aggregate classification (germline): Uncertain significance. Review status: criteria provided, multiple submitters, no conflicts (2 of 4 stars). 2 submissions from 2 submitters: Uncertain significance (2). Last evaluated 2026-02-21.

Conditions:
Baller-Gerold syndrome (BGS). Also called: CRANIOSYNOSTOSIS WITH RADIAL DEFECTS. Identifiers: Orphanet 1225, MedGen C0265308, MONDO:0009039, OMIM 218600.
Inborn genetic diseases. Identifiers: MedGen C0950123, MeSH D030342.

gnomAD v4.1: 1 of 1,611,592 alleles (0.000062%); no homozygotes.

Submissions (2):

Ambry Genetics
Classification: Uncertain significance for Inborn genetic diseases. Last evaluated: 2026-02-21. Review status: criteria provided, single submitter. Criteria: Ambry Variant Classification Scheme 2023. Collection method: clinical testing. Allele origin: germline.
Comment: The p.K88R variant (also known as c.263A>G), located in coding exon 4 of the RECQL4 gene, results from an A to G substitution at nucleotide position 263. The lysine at codon 88 is replaced by arginine, an amino acid with highly similar properties. This amino acid position is conserved. In addition, this alteration is predicted to be tolerated by in silico analysis. Based on the available evidence, the clinical significance of this variant remains unclear.

Labcorp Genetics (formerly Invitae), Labcorp
Classification: Uncertain significance for Baller-Gerold syndrome. Last evaluated: 2022-10-12. Review status: criteria provided, single submitter. Criteria: Invitae Variant Classification Sherloc (09022015). Collection method: clinical testing. Allele origin: germline.
Comment: This sequence change replaces lysine, which is basic and polar, with arginine, which is basic and polar, at codon 88 of the RECQL4 protein (p.Lys88Arg). This variant is not present in population databases (gnomAD no frequency). In summary, the available evidence is currently insufficient to determine the role of this variant in disease. Therefore, it has been classified as a Variant of Uncertain Significance. Experimental studies and prediction algorithms are not available or were not evaluated, and the functional significance of this variant is currently unknown. This variant has not been reported in the literature in individuals affected with RECQL4-related conditions.

NM_004260.4(RECQL4):c.263A>G (p.Lys88Arg)

Gene: RECQL4 (RecQ like helicase 4; minus strand). Cytogenetic location: 8q24.3.
Variant type: single nucleotide variant.
Coding change: c.263A>G on transcript NM_004260.4 (MANE Select); coding-DNA position 263, A replaced by G.
Protein change: p.Lys88Arg; replaces lysine 88 with arginine.
Molecular consequence: missense variant.
Genome position (GRCh38, 1-based): chr8:144,517,141, T>C on the plus strand (A>G on the coding strand, the complement: RECQL4 is on the minus strand). VCF-style: chr8-144517141-T-C. GRCh37 (hg19) VCF-style: chr8-145742525-T-C.
Other names: c.263A>G (NM_004260.3); c.263A>G, p.Lys88Arg (NM_001413017.1, NM_001413018.1, NM_001413019.1 and 5 more transcripts); c.-458A>G (NM_001413021.1); c.-809A>G (NM_001413022.1, NM_001413023.1, NM_001413037.1 and 3 more transcripts); c.-706A>G (NM_001413024.1, NM_001413035.1); c.134A>G, p.Lys45Arg (NM_001413025.1); c.-871A>G (NM_001413027.1, NM_001413030.1, NM_001413031.1 and 1 more transcripts); c.-534A>G (NM_001413028.1); and 3 more; short protein forms K88R, K45R.
Identifiers: ClinVar variation 2062711 (VCV002062711.5), dbSNP rs2538112472, ClinGen allele CA372692221.
Genomic context (GRCh38, chr8:144,517,141, plus strand): 5'-CGCTGCCCGTAGTCCGGCACCGAGCCCTGGCGGCTCCGCCCTGGCGTAGACTGTGGACTC[T>C]TGGTCGCAGCCCGATTCAGATGGGGCCCCCAGCAGCGGGGCTCTGGCGCCTGCAGGAGAC-3'
Protein context (NP_004251.4, residues 78-98): WGPHLNRAAT[Lys88Arg]SPQSTPGRSR